The following is an entry in ClinVar:

NM_005257.6(GATA6):c.1592C>T (p.Ser531Phe)

Gene: GATA6 (GATA binding protein 6; plus strand). Cytogenetic location: 18q11.2.
Variant type: single nucleotide variant.
Coding change: c.1592C>T on transcript NM_005257.6 (MANE Select); coding-DNA position 1592, C replaced by T.
Protein change: p.Ser531Phe; replaces serine 531 with phenylalanine.
Molecular consequence: missense variant.
Genome position (GRCh38, 1-based): chr18:22,183,015, C>T. VCF-style: chr18-22183015-C-T. GRCh37 (hg19) VCF-style: chr18-19762976-C-T.
Other names: short protein forms S531F.
Identifiers: ClinVar variation 2629460 (VCV002629460.1), dbSNP rs924066911, ClinGen allele CA297155082.

ClinVar aggregate classification (germline): Uncertain significance (1 of 4 stars; one submission).

Conditions:
GATA6-related disorder. Also called: GATA6-related condition.

Allele frequency attached by ClinVar (database versions not stated): gnomAD exomes 0.00001; gnomAD 0.00002.

Submission:

PreventionGenetics, part of Exact Sciences
Classification: Uncertain significance for GATA6-related condition. Last evaluated: 2023-05-10. Review status: criteria provided, single submitter. Criteria: ACMG Guidelines, 2015. Collection method: clinical testing. Allele origin: germline.
Comment: The GATA6 c.1592C>T variant is predicted to result in the amino acid substitution p.Ser531Phe. To our knowledge, this variant has not been reported in the literature. This variant is reported in 0.0039% of alleles in individuals of European (Non-Finnish) descent in gnomAD. At this time, the clinical significance of this variant is uncertain due to the absence of conclusive functional and genetic evidence.